The following is an entry in ClinVar:

ClinVar aggregate classification (germline): Benign/Likely benign. Review status: criteria provided, multiple submitters, no conflicts (2 of 4 stars). 10 submissions from 10 submitters: Benign (6); Likely benign (4). Last evaluated 2026-02-04.

Conditions:
Congenital nephrotic syndrome. Also called: Familial nephrotic syndrome. Identifiers: MedGen C3501848, MeSH C535761, MONDO:0002350, HP:0008677.
Focal segmental glomerulosclerosis (FSGS). Also called: Glomerulosclerosis, focal; Focal sclerosis with hyalinosis. Identifiers: MedGen C0017668, MONDO:0100313, HP:0000097. Disease mechanism: loss of function.

Allele frequency attached by ClinVar (database versions not stated): gnomAD exomes 0.00829; ExAC 0.00878; 1000 Genomes Project 0.01258; 1000 Genomes Project 30x 0.01296; gnomAD 0.01679 and 0.01801; ESP Exome Variant Server 0.01853; TOPMed 0.01878.

Submissions (10):

Labcorp Genetics (formerly Invitae), Labcorp
Classification: Benign. Last evaluated: 2026-02-04. Review status: criteria provided, single submitter. Criteria: Invitae Variant Classification Sherloc (09022015). Collection method: clinical testing. Allele origin: germline.

Blueprint Genetics
Classification: Likely benign. Last evaluated: 2024-11-26. Review status: criteria provided, single submitter. Criteria: ACMG Guidelines, 2015. Collection method: clinical testing. Allele origin: germline.

Mayo Clinic Laboratories, Mayo Clinic
Classification: Benign. Last evaluated: 2023-06-21. Review status: criteria provided, single submitter. Criteria: ACMG Guidelines, 2015. Collection method: clinical testing. Allele origin: germline. Observed: 4 variant alleles.
Comment: BS1, BS2, BP4

Genome Diagnostics Laboratory, The Hospital for Sick Children
Classification: Benign for Focal segmental glomerulosclerosis. Last evaluated: 2022-07-11. Review status: criteria provided, single submitter. Criteria: ACMG Guidelines, 2015. Collection method: clinical testing. Allele origin: germline.

GeneDx
Classification: Likely benign. Last evaluated: 2021-07-21. Review status: criteria provided, single submitter. Criteria: GeneDx Variant Classification Process June 2021. Collection method: clinical testing. Allele origin: germline. Affected: yes.

Women's Health and Genetics/Laboratory Corporation of America, LabCorp
Classification: Benign. Last evaluated: 2019-10-17. Review status: criteria provided, single submitter. Criteria: LabCorp Variant Classification Summary - May 2015. Collection method: clinical testing. Allele origin: germline.
Comment: Variant summary: NPHS1 c.1175T>C (p.Leu392Pro) results in a non-conservative amino acid change in the encoded protein sequence. Three of five in-silico tools predict a benign effect of the variant on protein function. The variant allele was found at a frequency of 0.0083 in 251344 control chromosomes, predominantly at a frequency of 0.043 within the African or African-American subpopulation in the gnomAD database, including 20 homozygotes. The observed variant frequency within African or African-American control individuals in the gnomAD database is approximately 12.82 fold of the estimated maximal expected allele frequency for a pathogenic variant in NPHS1 causing Nephrotic Syndrome, Type 1 phenotype (0.0034), strongly suggesting that the variant is a benign polymorphism found primarily in populations of African or African-American origin. One clinical diagnostic laboratory has submitted clinical-significance assessments for this variant to ClinVar after 2014 without evidence for independent evaluation. One laboratory classified the variant as benign. Based on the evidence outlined above, the variant was classified as benign.

Athena Diagnostics
Classification: Benign. Last evaluated: 2018-03-09. Review status: criteria provided, single submitter. Criteria: Athena Diagnostics Criteria. Collection method: clinical testing. Allele origin: germline.

Illumina Laboratory Services, Illumina
Classification: Likely benign for Congenital nephrotic syndrome. Last evaluated: 2017-04-27. Review status: criteria provided, single submitter. Criteria: ICSL Variant Classification Criteria 13 December 2019. Collection method: clinical testing. Allele origin: germline.
Comment: This variant was observed as part of a predisposition screen in an ostensibly healthy population. A literature search was performed for the gene, cDNA change, and amino acid change (where applicable). Publications were found based on this search. The evidence from the literature, in combination with allele frequency data from public databases where available, was sufficient to determine this variant is unlikely to cause disease. Therefore, this variant is classified as likely benign.

Breakthrough Genomics
Classification: Likely benign. Review status: criteria provided, single submitter. Criteria: ACMG Guidelines, 2015. Collection method: not provided. Allele origin: germline. Inheritance: Autosomal recessive inheritance. Affected: yes.

PreventionGenetics, part of Exact Sciences
Classification: Benign. Review status: criteria provided, single submitter. Criteria: ACMG Guidelines, 2015. Collection method: clinical testing. Allele origin: germline.

Literature cited by the submitters: PubMed 19812541 (cited by 3 submitters); PubMed 28724397 (cited by Mayo Clinic Laboratories, Mayo Clinic and Athena Diagnostics).

NM_004646.4(NPHS1):c.1175T>C (p.Leu392Pro)

Gene: NPHS1 (NPHS1 adhesion molecule, nephrin; minus strand). Cytogenetic location: 19q13.12.
Variant type: single nucleotide variant.
Coding change: c.1175T>C on transcript NM_004646.4 (MANE Select); coding-DNA position 1175, T replaced by C.
Protein change: p.Leu392Pro; replaces leucine 392 with proline.
Molecular consequence: missense variant.
Genome position (GRCh38, 1-based): chr19:35,848,393, A>G on the plus strand (T>C on the coding strand, the complement: NPHS1 is on the minus strand). VCF-style: chr19-35848393-A-G. GRCh37 (hg19) VCF-style: chr19-36339295-A-G.
Other names: short protein forms L392P.
Identifiers: ClinVar variation 259481 (VCV000259481.25), dbSNP rs34320609, ClinGen allele CA9390512.